The following is an entry in ClinVar:

NM_033124.5(DRC2):c.968_971del (p.Val323fs)

Gene: DRC2 (dynein regulatory complex subunit 2; plus strand). Cytogenetic location: 12q13.12.
Variant type: Deletion.
Coding change: c.968_971del on transcript NM_033124.5 (MANE Select); coding-DNA positions 968 to 971, 4 bases deleted (TCAG; older notation c.968_971delTCAG).
Protein change: p.Val323fs; shifts the reading frame from valine 323.
Molecular consequence: frameshift variant.
Genome position (GRCh38, 1-based): chr12:48,918,845-48,918,848, TCAG deleted; deleting any 4 consecutive bases within chr12:48,918,843-48,918,848 gives the same sequence; the c. name uses the placement nearest the transcript's 3' end. VCF-style (leftmost placement, unchanged base first): chr12-48918842-TAGTC-T. GRCh37 (hg19) VCF-style: chr12-49312625-TAGTC-T.
Other names: c.539_542del, p.Val180fs (NM_001286957.2); short protein forms V323fs, V180fs.
Identifiers: ClinVar variation 2916429 (VCV002916429.3), dbSNP rs749714265, ClinGen allele CA6543386.

ClinVar aggregate classification (germline): Pathogenic (1 of 4 stars; one submission).

Conditions:
Primary ciliary dyskinesia 27. Also called: CILIARY DYSKINESIA, PRIMARY, 27, WITHOUT SITUS INVERSUS. Identifiers: Orphanet 244, MedGen C3809701, MONDO:0014215, OMIM 615504.

Submission:

Labcorp Genetics (formerly Invitae), Labcorp
Classification: Pathogenic for Primary ciliary dyskinesia 27. Last evaluated: 2025-09-02. Review status: criteria provided, single submitter. Criteria: Invitae Variant Classification Sherloc (09022015). Collection method: clinical testing. Allele origin: germline.
Comment: This sequence change creates a premature translational stop signal (p.Val323Aspfs*13) in the CCDC65 gene. It is expected to result in an absent or disrupted protein product. Loss-of-function variants in CCDC65 are known to be pathogenic (PMID: 23991085, 24094744). This variant is present in population databases (rs749714265, gnomAD 0.01%). This variant has not been reported in the literature in individuals affected with CCDC65-related conditions. ClinVar contains an entry for this variant (Variation ID: 2916429). For these reasons, this variant has been classified as Pathogenic.

Literature cited by the submitters: PubMed 23991085; PubMed 24094744.